The following is an entry in ClinVar:

ClinVar aggregate classification (germline): Uncertain significance (1 of 4 stars; one submission).

Conditions:
Peutz-Jeghers syndrome (PJS). Also called: POLYPOSIS, HAMARTOMATOUS INTESTINAL; POLYPS-AND-SPOTS SYNDROME; Peutz-Jeghers polyposis; Periorificial lentiginosis syndrome. Identifiers: Orphanet 2869, MedGen C0031269, MeSH D010580, MONDO:0008280, OMIM 175200.

Submission:

All of Us Research Program, National Institutes of Health
Classification: Uncertain significance for Peutz-Jeghers syndrome. Last evaluated: 2023-04-03. Review status: criteria provided, single submitter. Criteria: ACMG Guidelines, 2015. Collection method: clinical testing. Allele origin: germline. Inheritance: Autosomal dominant inheritance. Observed: 1 variant allele, 1 heterozygote.
Comment: This missense variant replaces glutamic acid with alanine at codon 130 of the STK11 protein. Computational prediction suggests that this variant may have deleterious impact on protein structure and function (internally defined REVEL score threshold >= 0.7, PMID: 27666373). To our knowledge, functional studies have not been reported for this variant. This variant has not been reported in individuals affected with STK11-related disorders in the literature. This variant has not been identified in the general population by the Genome Aggregation Database (gnomAD). The available evidence is insufficient to determine the role of this variant in disease conclusively. Therefore, this variant is classified as a Variant of Uncertain Significance.

This study involves interpretation of variants in research participants for the purpose of population health screening. Participant phenotype was not available at the time of variant classification. Additional details can be found in publication PMID: 35346344, PMCID: PMC8962531

NM_000455.5(STK11):c.389A>C (p.Glu130Ala)

Gene: STK11 (serine/threonine kinase 11; plus strand). Cytogenetic location: 19p13.3.
Variant type: single nucleotide variant.
Coding change: c.389A>C on transcript NM_000455.5 (MANE Select); coding-DNA position 389, A replaced by C.
Protein change: p.Glu130Ala; replaces glutamic acid 130 with alanine.
Molecular consequence: missense variant. On other transcripts: non-coding transcript variant (1).
Genome position (GRCh38, 1-based): chr19:1,219,338, A>C. VCF-style: chr19-1219338-A-C. GRCh37 (hg19) VCF-style: chr19-1219337-A-C.
Other names: c.389A>C, p.Glu130Ala (NM_001407255.1); short protein forms E130A.
Identifiers: ClinVar variation 3070165 (VCV003070165.1), dbSNP rs1568705335, ClinGen allele CA402948133.
Genomic context (GRCh38, chr19:1,219,338, plus strand): 5'-CTGTGAGTGGGGCCGCCCCCTGAGCTGTGTGTCCTTAGCGCCCCACGTATATGGTGATGG[A>C]GTACTGCGTGTGTGGCATGCAGGAAATGCTGGACAGCGTGCCGGAGAAGCGTTTCCCAGT-3'
Protein context (NP_000446.1, residues 120-140): EEKQKMYMVM[Glu130Ala]YCVCGMQEML